The following is an entry in ClinVar:

NM_005912.3(MC4R):c.656C>T (p.Ala219Val)

Gene: MC4R (melanocortin 4 receptor; minus strand). Cytogenetic location: 18q21.32.
Variant type: single nucleotide variant.
Coding change: c.656C>T on transcript NM_005912.3 (MANE Select); coding-DNA position 656, C replaced by T.
Protein change: p.Ala219Val; replaces alanine 219 with valine.
Molecular consequence: missense variant.
Genome position (GRCh38, 1-based): chr18:60,371,694, G>A on the plus strand (C>T on the coding strand, the complement: MC4R is on the minus strand). VCF-style: chr18-60371694-G-A. GRCh37 (hg19) VCF-style: chr18-58038927-G-A.
Other names: c.656C>T (NM_005912.2); short protein forms A219V.
Identifiers: ClinVar variation 14338 (VCV000014338.3), dbSNP rs121913567, ClinGen allele CA210726.

ClinVar aggregate classification (germline): Conflicting classifications of pathogenicity. Review status: no assertion criteria provided (0 of 4 stars). 2 submissions from 2 submitters: Pathogenic (1); Uncertain significance (1). Last evaluated 2024-08-29.

Conditions:
MC4R-related disorder. Also called: MC4R-related condition.
BODY MASS INDEX QUANTITATIVE TRAIT LOCUS 20 (BMIQ20). Also called: MELANOCORTIN 4 RECEPTOR DEFICIENCY; MC4R DEFICIENCY. Identifiers: MedGen C4759928, OMIM 618406.

Submissions (2):

PreventionGenetics, part of Exact Sciences
Classification: Uncertain significance for MC4R-related condition. Last evaluated: 2024-08-29. Review status: no assertion criteria provided. Collection method: clinical testing. Allele origin: germline.
Comment: The MC4R c.656C>T variant is predicted to result in the amino acid substitution p.Ala219Val. This variant has been reported in an individual with obesity (Larsen et al. 2005. PubMed ID: 15486053). In vitro experimental studies suggest this variant affects pathways of obesity regulation (Stäubert et al. 2007. PubMed ID: 17628007; Kim et al. 2007. PubMed ID: 17986382; Fan and Tao. 2009. PubMed ID: 19298524; Xiang et al. 2010. PubMed ID: 20462274; He and Tao 2014. PubMed ID: 25332687). This variant has not been reported in a large population database, indicating it is rare. Although we suspect that this variant may be pathogenic, at this time, the clinical significance of this variant is uncertain due to the absence of conclusive functional and genetic evidence.

OMIM
Classification: Pathogenic for OBESITY (BMIQ20). Last evaluated: 2005-01-01. Review status: no assertion criteria provided. Collection method: literature only. Allele origin: germline.

Literature cited by the submitters: PubMed 15486053 (cited by OMIM); PubMed 31002796 (cited by OMIM).